The following is an entry in ClinVar:

ClinVar aggregate classification (germline): Pathogenic (1 of 4 stars; one submission).

Submission:

Labcorp Genetics (formerly Invitae), Labcorp
Classification: Pathogenic. Last evaluated: 2023-08-16. Review status: criteria provided, single submitter. Criteria: Invitae Variant Classification Sherloc (09022015). Collection method: clinical testing. Allele origin: germline.
Comment: This sequence change creates a premature translational stop signal (p.Trp1084*) in the USH2A gene. It is expected to result in an absent or disrupted protein product. Loss-of-function variants in USH2A are known to be pathogenic (PMID: 10729113, 10909849, 20507924, 25649381). This variant is not present in population databases (gnomAD no frequency). This premature translational stop signal has been observed in individual(s) with Usher syndrome (PMID: 27460420). For these reasons, this variant has been classified as Pathogenic.

Literature cited by the submitters: PubMed 10729113; PubMed 10909849; PubMed 20507924; PubMed 25649381; PubMed 27460420.

NM_206933.4(USH2A):c.3252G>A (p.Trp1084Ter)

Genes: USH2A (usherin; minus strand), USH2A-AS1 (USH2A antisense RNA 1; plus strand). Cytogenetic location: 1q41.
Variant type: single nucleotide variant.
Coding change: c.3252G>A on transcript NM_206933.4 (MANE Select); coding-DNA position 3252, G replaced by A.
Protein change: p.Trp1084Ter; replaces tryptophan 1084 with a stop codon.
Molecular consequence: nonsense.
Genome position (GRCh38, 1-based): chr1:216,207,337, C>T on the plus strand (G>A on the coding strand, the complement: USH2A is on the minus strand). VCF-style: chr1-216207337-C-T. GRCh37 (hg19) VCF-style: chr1-216380679-C-T.
Other names: c.3252G>A, p.Trp1084Ter (NM_007123.6); short protein forms W1084*.
Identifiers: ClinVar variation 2866458 (VCV002866458.3), dbSNP rs200289497, ClinGen allele CA344862449.